The following is an entry in ClinVar:

NM_017777.4(MKS1):c.715_716del (p.Lys239fs)

Gene: MKS1 (MKS transition zone complex subunit 1; minus strand). Cytogenetic location: 17q22.
Variant type: Deletion.
Coding change: c.715_716del on transcript NM_017777.4 (MANE Select); coding-DNA positions 715 to 716, 2 bases deleted (AA; older notation c.715_716delAA).
Protein change: p.Lys239fs; shifts the reading frame from lysine 239.
Molecular consequence: frameshift variant.
Genome position (GRCh38, 1-based): chr17:58,213,798-58,213,799, TT deleted on the plus strand (AA on the coding strand, the reverse complement: MKS1 is on the minus strand); deleting any 2 consecutive bases within chr17:58,213,798-58,213,800 gives the same sequence; the c. name uses the placement nearest the transcript's 3' end. VCF-style (leftmost placement, unchanged base first): chr17-58213797-CTT-C. GRCh37 (hg19) VCF-style: chr17-56291158-CTT-C.
Other names: c.106_107del, p.Lys36fs (NM_001321268.2); c.715_716del, p.Lys239fs (NM_001321269.2, NM_001330397.2); c.714_715delAA, p.Lys239Alafs (NM_001411113.1); short protein forms K239fs, K36fs.
Identifiers: ClinVar variation 1726010 (VCV001726010.3), dbSNP rs2509442096, ClinGen allele CA2580094442.

ClinVar aggregate classification (germline): Likely pathogenic (1 of 4 stars; one submission).

Conditions:
Ciliopathy. Also called: Ciliopathies. Identifiers: Orphanet 363250, MedGen C4277690, MONDO:0005308, MeSH D000072661.

Submission:

Myriad Genetics, Inc.
Classification: Likely pathogenic for Ciliopathy. Last evaluated: 2022-05-04. Review status: criteria provided, single submitter. Criteria: Myriad Autosomal Dominant, Autosomal Recessive and X-Linked Classification Criteria (2023). Collection method: clinical testing. Allele origin: unknown.
Comment: NM_017777.3(MKS1):c.715_716delAA(K239Afs*2) is expected to be pathogenic in the context of MKS1-related disorders. This variant is predicted to lead to an abnormal or absent protein product due to the creation of a premature termination codon in MKS1, a gene where loss-of-function variants are known to be pathogenic. Please note: this variant was assessed in the context of healthy population screening.